The following is an entry in ClinVar:

ClinVar aggregate classification (germline): Uncertain significance (1 of 4 stars; one submission).

gnomAD v4.1: 1 of 1,355,994 alleles (0.000074%); highest among the groups gnomAD compares: Admixed American, 0.0031%; no homozygotes.

Submission:

GeneDx
Classification: Uncertain significance. Last evaluated: 2020-10-21. Review status: criteria provided, single submitter. Criteria: GeneDx Variant Classification Process June 2021. Collection method: clinical testing. Allele origin: germline. Affected: yes.
Comment: Has not been previously published as pathogenic or benign to our knowledge; Not observed in large population cohorts (Lek et al., 2016); In silico analysis supports that this missense variant does not alter protein structure/function

NM_005477.3(HCN4):c.326G>A (p.Gly109Asp)

Gene: HCN4 (hyperpolarization activated cyclic nucleotide gated potassium channel 4; minus strand). Cytogenetic location: 15q24.1.
Variant type: single nucleotide variant.
Coding change: c.326G>A on transcript NM_005477.3 (MANE Select); coding-DNA position 326, G replaced by A.
Protein change: p.Gly109Asp; replaces glycine 109 with aspartic acid.
Molecular consequence: missense variant.
Genome position (GRCh38, 1-based): chr15:73,367,945, C>T on the plus strand (G>A on the coding strand, the complement: HCN4 is on the minus strand). VCF-style: chr15-73367945-C-T. GRCh37 (hg19) VCF-style: chr15-73660286-C-T.
Other names: short protein forms G109D.
Identifiers: ClinVar variation 1313543 (VCV001313543.2), dbSNP rs2151228597, ClinGen allele CA393098371.